The following is an entry in ClinVar:

ClinVar aggregate classification (germline): Conflicting classifications of pathogenicity. Review status: criteria provided, conflicting classifications (1 of 4 stars). 4 submissions from 4 submitters: Uncertain significance (1); Likely benign (2). 1 of the submissions does not count toward it. Last evaluated 2026-01-20.

Conditions:
VPS13A-related neurodegenerative disease. Also called: LEVINE-CRITCHLEY SYNDROME; Chorea-acanthocytosis; ACANTHOCYTOSIS WITH NEUROLOGIC DISORDER; Choreoacanthocytosis; Choreaacanthocytosis; VPS13A Disease. Identifiers: Orphanet 2388, MedGen C0393576, MONDO:0008695, OMIM 200150.

Allele frequency attached by ClinVar (database versions not stated): ESP Exome Variant Server 0.00008; TOPMed 0.00008; ExAC 0.00014; 1000 Genomes Project 30x 0.00016; 1000 Genomes Project 0.00020.
gnomAD v4.1: 213 of 1,606,024 alleles (0.013%); highest among the groups gnomAD compares: Middle Eastern, 0.13%; no homozygotes.

Submissions (4):

Labcorp Genetics (formerly Invitae), Labcorp
Classification: Likely benign. Last evaluated: 2026-01-20. Review status: criteria provided, single submitter. Criteria: Invitae Variant Classification Sherloc (09022015). Collection method: clinical testing. Allele origin: germline.

Blueprint Genetics
Classification: Likely benign. Last evaluated: 2024-11-13. Review status: criteria provided, single submitter. Criteria: ACMG Guidelines, 2015. Collection method: clinical testing. Allele origin: germline.

GeneDx
Classification: Uncertain significance. Last evaluated: 2023-09-05. Review status: criteria provided, single submitter. Criteria: GeneDx Variant Classification Process June 2021. Collection method: clinical testing. Allele origin: germline. Affected: yes.
Comment: Has not been previously published as pathogenic or benign to our knowledge; In silico analysis suggests this variant may impact gene splicing. In the absence of RNA/functional studies, the actual effect of this sequence change is unknown.

Natera, Inc.
Classification: Likely benign for Choreaacanthocytosis. Last evaluated: 2020-06-07. Review status: no assertion criteria provided. Collection method: clinical testing. Allele origin: germline. Not counted in ClinVar's aggregate classification.

NM_033305.3(VPS13A):c.7044T>A (p.Pro2348=)

Gene: VPS13A (vacuolar protein sorting 13 homolog A; plus strand). Cytogenetic location: 9q21.2.
Variant type: single nucleotide variant.
Coding change: c.7044T>A on transcript NM_033305.3 (MANE Select); coding-DNA position 7044, T replaced by A.
Protein change: p.Pro2348=; no amino-acid change (proline 2348 retained).
Molecular consequence: synonymous variant.
Genome position (GRCh38, 1-based): chr9:77,344,170, T>A. VCF-style: chr9-77344170-T-A. GRCh37 (hg19) VCF-style: chr9-79959086-T-A.
Other names: c.6927T>A, p.Pro2309= (NM_001018037.2); c.7044T>A, p.Pro2348= (NM_001018038.3, NM_015186.4).
Identifiers: ClinVar variation 367406 (VCV000367406.18), dbSNP rs143259810, ClinGen allele CA5093201.